The following is an entry in ClinVar:

ClinVar aggregate classification (germline): Uncertain significance (1 of 4 stars; one submission).

Submission:

GeneDx
Classification: Uncertain significance. Last evaluated: 2026-03-21. Review status: criteria provided, single submitter. Criteria: GeneDx Variant Classification Process June 2021. Collection method: clinical testing. Allele origin: germline.
Comment: Not observed at significant frequency in large population cohorts (gnomAD); In silico analysis supports that this missense variant has a deleterious effect on protein structure/function; Has not been previously published as pathogenic or benign to our knowledge

NM_001330260.2(SCN8A):c.4786T>C (p.Ser1596Pro)

Gene: SCN8A (sodium voltage-gated channel alpha subunit 8; plus strand). Cytogenetic location: 12q13.13.
Variant type: single nucleotide variant.
Coding change: c.4786T>C on transcript NM_001330260.2 (MANE Select); coding-DNA position 4786, T replaced by C.
Protein change: p.Ser1596Pro; replaces serine 1596 with proline.
Molecular consequence: missense variant.
Genome position (GRCh38, 1-based): chr12:51,794,632, T>C. VCF-style: chr12-51794632-T-C. GRCh37 (hg19) VCF-style: chr12-52188416-T-C.
Other names: c.4663T>C, p.Ser1555Pro (NM_001177984.3, NM_001369788.1); c.4786T>C, p.Ser1596Pro (NM_014191.4); short protein forms S1596P, S1555P.
Identifiers: ClinVar variation 5009546 (VCV005009546.1).